The following is an entry in ClinVar:

ClinVar aggregate classification (germline): Uncertain significance (1 of 4 stars; one submission).

Conditions:
Bardet-Biedl syndrome (BBS). Identifiers: Orphanet 110, MedGen C0752166, MONDO:0015229.

Submission:

Labcorp Genetics (formerly Invitae), Labcorp
Classification: Uncertain significance for Bardet-Biedl syndrome. Last evaluated: 2022-05-14. Review status: criteria provided, single submitter. Criteria: Invitae Variant Classification Sherloc (09022015). Collection method: clinical testing. Allele origin: germline.
Comment: This sequence change replaces threonine, which is neutral and polar, with arginine, which is basic and polar, at codon 225 of the BBS2 protein (p.Thr225Arg). This variant is not present in population databases (gnomAD no frequency). This variant has not been reported in the literature in individuals affected with BBS2-related conditions. Algorithms developed to predict the effect of missense changes on protein structure and function (SIFT, PolyPhen-2, Align-GVGD) all suggest that this variant is likely to be disruptive. Algorithms developed to predict the effect of sequence changes on RNA splicing suggest that this variant may create or strengthen a splice site. In summary, the available evidence is currently insufficient to determine the role of this variant in disease. Therefore, it has been classified as a Variant of Uncertain Significance.

NM_031885.5(BBS2):c.674C>G (p.Thr225Arg)

Gene: BBS2 (Bardet-Biedl syndrome 2; minus strand). Cytogenetic location: 16q13.
Variant type: single nucleotide variant.
Coding change: c.674C>G on transcript NM_031885.5 (MANE Select); coding-DNA position 674, C replaced by G.
Protein change: p.Thr225Arg; replaces threonine 225 with arginine.
Molecular consequence: missense variant. On other transcripts: non-coding transcript variant (5).
Genome position (GRCh38, 1-based): chr16:56,506,163, G>C on the plus strand (C>G on the coding strand, the complement: BBS2 is on the minus strand). VCF-style: chr16-56506163-G-C. GRCh37 (hg19) VCF-style: chr16-56540075-G-C.
Other names: c.674C>G, p.Thr225Arg (NM_001377456.1); short protein forms T225R.
Identifiers: ClinVar variation 2145911 (VCV002145911.1), dbSNP rs2543721292, ClinGen allele CA395983003.